The following is an entry in ClinVar:

NM_001375808.2(LPIN2):c.2327+4C>T

Gene: LPIN2 (lipin 2; minus strand). Cytogenetic location: 18p11.31.
Variant type: single nucleotide variant.
Coding change: c.2327+4C>T on transcript NM_001375808.2 (MANE Select); 4 bases into the intron after coding-DNA position 2327, C replaced by T.
Molecular consequence: intron variant.
Genome position (GRCh38, 1-based): chr18:2,922,043, G>A on the plus strand (C>T on the coding strand, the complement: LPIN2 is on the minus strand). VCF-style: chr18-2922043-G-A. GRCh37 (hg19) VCF-style: chr18-2922041-G-A.
Other names: c.2327+4C>T (NM_014646.2, NM_001375809.1).
Identifiers: ClinVar variation 935416 (VCV000935416.7), dbSNP rs1344450204, ClinGen allele CA628482883.

ClinVar aggregate classification (germline): Uncertain significance (1 of 4 stars; one submission).

Conditions:
Majeed syndrome (MJDS). Also called: LPIN2-Related Majeed Syndrome; CHRONIC RECURRENT MULTIFOCAL OSTEOMYELITIS 1, WITH CONGENITAL DYSERYTHROPOIETIC ANEMIA, WITH OR WITHOUT NEUTROPHILIC DERMATOSIS. Identifiers: Orphanet 77297, MedGen C1864997, MONDO:0012316, OMIM 609628.

Allele frequency attached by ClinVar (database versions not stated): gnomAD exomes 0.00001.
gnomAD v4.1: 4 of 1,611,892 alleles (0.00025%); highest among the groups gnomAD compares: Admixed American, 0.0067%; no homozygotes.

Submission:

Labcorp Genetics (formerly Invitae), Labcorp
Classification: Uncertain significance for Majeed syndrome. Last evaluated: 2021-08-24. Review status: criteria provided, single submitter. Criteria: Invitae Variant Classification Sherloc (09022015). Collection method: clinical testing. Allele origin: germline.
Comment: This sequence change falls in intron 17 of the LPIN2 gene. It does not directly change the encoded amino acid sequence of the LPIN2 protein. It affects a nucleotide within the consensus splice site of the intron. This variant is not present in population databases (ExAC no frequency). This variant has not been reported in the literature in individuals affected with LPIN2-related conditions. Variants that disrupt the consensus splice site are a relatively common cause of aberrant splicing (PMID: 17576681, 9536098). Algorithms developed to predict the effect of sequence changes on RNA splicing suggest that this variant is not likely to affect RNA splicing. In summary, the available evidence is currently insufficient to determine the role of this variant in disease. Therefore, it has been classified as a Variant of Uncertain Significance.

Literature cited by the submitters: PubMed 17576681; PubMed 9536098.